The following is an entry in ClinVar:

ClinVar aggregate classification (germline): Conflicting classifications of pathogenicity. Review status: criteria provided, conflicting classifications (1 of 4 stars). 4 submissions from 4 submitters: Uncertain significance (1); Likely benign (3). Last evaluated 2025-12-01.

Conditions:
MERTK-related disorder. Also called: MERTK-related condition.
Retinitis pigmentosa (RP). Identifiers: Orphanet 791, MedGen C0035334, MeSH D012174, MONDO:0019200, OMIM 268000. Inheritance: Autosomal dominant, autosomal recessive and X linked inheritance.

Allele frequency attached by ClinVar (database versions not stated): TOPMed 0.00002; 1000 Genomes Project 30x 0.00094; 1000 Genomes Project 0.00100.
gnomAD v4.1: 268 of 1,614,132 alleles (0.017%); highest among the groups gnomAD compares: South Asian, 0.28%; 4 homozygotes.

Submissions (4):

Labcorp Genetics (formerly Invitae), Labcorp
Classification: Likely benign. Last evaluated: 2025-12-01. Review status: criteria provided, single submitter. Criteria: Invitae Variant Classification Sherloc (09022015). Collection method: clinical testing. Allele origin: germline.

PreventionGenetics, part of Exact Sciences
Classification: Likely benign for MERTK-related condition. Last evaluated: 2025-02-13. Review status: criteria provided, single submitter. Criteria: ACMG Guidelines, 2015. Collection method: clinical testing. Allele origin: germline.
Comment: This variant is classified as likely benign based on ACMG/AMP sequence variant interpretation guidelines (Richards et al. 2015 PMID: 25741868, with internal and published modifications).

Blueprint Genetics
Classification: Likely benign. Last evaluated: 2024-11-07. Review status: criteria provided, single submitter. Criteria: ACMG Guidelines, 2015. Collection method: clinical testing. Allele origin: germline.

Illumina Laboratory Services, Illumina
Classification: Uncertain significance for Retinitis pigmentosa. Last evaluated: 2018-01-13. Review status: criteria provided, single submitter. Criteria: ICSL Variant Classification Criteria 13 December 2019. Collection method: clinical testing. Allele origin: germline.

NM_006343.3(MERTK):c.2590G>T (p.Val864Phe)

Gene: MERTK (MER proto-oncogene, tyrosine kinase; plus strand). Cytogenetic location: 2q13.
Variant type: single nucleotide variant.
Coding change: c.2590G>T on transcript NM_006343.3 (MANE Select); coding-DNA position 2590, G replaced by T.
Protein change: p.Val864Phe; replaces valine 864 with phenylalanine.
Molecular consequence: missense variant.
Genome position (GRCh38, 1-based): chr2:112,028,454, G>T. VCF-style: chr2-112028454-G-T. GRCh37 (hg19) VCF-style: chr2-112786031-G-T.
Other names: short protein forms V864F.
Identifiers: ClinVar variation 893541 (VCV000893541.14), dbSNP rs557004700, ClinGen allele CA1831930.